The following is an entry in ClinVar:

NM_006345.4(SLC30A9):c.252A>T (p.Glu84Asp)

Gene: SLC30A9 (solute carrier family 30 member 9; plus strand). Cytogenetic location: 4p13.
Variant type: single nucleotide variant.
Coding change: c.252A>T on transcript NM_006345.4 (MANE Select); coding-DNA position 252, A replaced by T.
Protein change: p.Glu84Asp; replaces glutamic acid 84 with aspartic acid.
Molecular consequence: missense variant.
Genome position (GRCh38, 1-based): chr4:42,001,758, A>T. VCF-style: chr4-42001758-A-T. GRCh37 (hg19) VCF-style: chr4-42003775-A-T.
Other names: short protein forms E84D.
Identifiers: ClinVar variation 3056829 (VCV003056829.2), dbSNP rs115329927, ClinGen allele CA2902165.

ClinVar aggregate classification (germline): Benign (0 of 4 stars; one submission).

Conditions:
SLC30A9-related disorder. Also called: SLC30A9-related condition.

Allele frequency attached by ClinVar (database versions not stated): gnomAD exomes 0.00024; ExAC 0.00068; gnomAD 0.00215; 1000 Genomes Project 30x 0.00219; ESP Exome Variant Server 0.00238; 1000 Genomes Project 0.00240; TOPMed 0.00247.
gnomAD v4.1: 676 of 1,609,732 alleles (0.042%); highest among the groups gnomAD compares: African/African-American, 0.84%; 2 homozygotes.

Submission:

PreventionGenetics, part of Exact Sciences
Classification: Benign for SLC30A9-related condition. Last evaluated: 2019-12-24. Review status: no assertion criteria provided. Collection method: clinical testing. Allele origin: germline.
Comment: This variant is classified as benign based on ACMG/AMP sequence variant interpretation guidelines (Richards et al. 2015 PMID: 25741868, with internal and published modifications).